The following is an entry in ClinVar:

NM_006904.7(PRKDC):c.5366G>T (p.Gly1789Val)

Gene: PRKDC (protein kinase, DNA-activated, catalytic subunit; minus strand). Cytogenetic location: 8q11.21.
Variant type: single nucleotide variant.
Coding change: c.5366G>T on transcript NM_006904.7 (MANE Select); coding-DNA position 5366, G replaced by T.
Protein change: p.Gly1789Val; replaces glycine 1789 with valine.
Molecular consequence: missense variant.
Genome position (GRCh38, 1-based): chr8:47,864,761, C>A on the plus strand (G>T on the coding strand, the complement: PRKDC is on the minus strand). VCF-style: chr8-47864761-C-A. GRCh37 (hg19) VCF-style: chr8-48777322-C-A.
Other names: c.5366G>T, p.Gly1789Val (NM_001081640.2); short protein forms G1789V.
Identifiers: ClinVar variation 1354924 (VCV001354924.6), dbSNP rs2154500817, ClinGen allele CA371163719.

ClinVar aggregate classification (germline): Uncertain significance (1 of 4 stars; one submission).

Conditions:
Severe combined immunodeficiency due to DNA-PKcs deficiency. Also called: Immunodeficiency 26 with or without neurologic abnormalities; IMMUNODEFICIENCY 26 WITH NEUROLOGIC ABNORMALITIES. Identifiers: Orphanet 317425, MedGen C4014833, MONDO:0014423, OMIM 615966.

Submission:

Labcorp Genetics (formerly Invitae), Labcorp
Classification: Uncertain significance for Severe combined immunodeficiency due to DNA-PKcs deficiency. Last evaluated: 2022-11-08. Review status: criteria provided, single submitter. Criteria: Invitae Variant Classification Sherloc (09022015). Collection method: clinical testing. Allele origin: germline.
Comment: This sequence change replaces glycine, which is neutral and non-polar, with valine, which is neutral and non-polar, at codon 1789 of the PRKDC protein (p.Gly1789Val). In summary, the available evidence is currently insufficient to determine the role of this variant in disease. Therefore, it has been classified as a Variant of Uncertain Significance. Experimental studies and prediction algorithms are not available or were not evaluated, and the functional significance of this variant is currently unknown. ClinVar contains an entry for this variant (Variation ID: 1354924). This variant has not been reported in the literature in individuals affected with PRKDC-related conditions. This variant is not present in population databases (gnomAD no frequency).